The following is an entry in ClinVar:

ClinVar aggregate classification (germline): Uncertain significance. Review status: criteria provided, multiple submitters, no conflicts (2 of 4 stars). 3 submissions from 3 submitters: Uncertain significance (3). Last evaluated 2026-08-04.

Conditions:
COL18A1-related disorder. Also called: COL18A1-related disorders; COL18A1-related condition.

Allele frequency attached by ClinVar (database versions not stated): TOPMed 0.00001; gnomAD exomes 0.00007.
gnomAD v4.1: 6 of 106,710 alleles (0.0056%); highest among the groups gnomAD compares: Non-Finnish European, 0.0072%; no homozygotes.

Submissions (3):

PreventionGenetics, part of Exact Sciences
Classification: Uncertain significance for COL18A1-related condition. Last evaluated: 2026-08-04. Review status: criteria provided, single submitter. Criteria: ACMG Guidelines, 2015. Collection method: clinical testing. Allele origin: germline.
Comment: The COL18A1 c.10A>G variant is predicted to result in the amino acid substitution p.Arg4Gly. To our knowledge, this variant has not been reported in the literature or in a large population database (gnomAD), indicating this variant is rare. At this time, the clinical significance of this variant is uncertain due to the absence of conclusive functional and genetic evidence.

Blueprint Genetics
Classification: Uncertain significance. Last evaluated: 2023-10-24. Review status: criteria provided, single submitter. Criteria: ACMG Guidelines, 2015. Collection method: clinical testing. Allele origin: germline.

Labcorp Genetics (formerly Invitae), Labcorp
Classification: Uncertain significance. Last evaluated: 2022-06-13. Review status: criteria provided, single submitter. Criteria: Invitae Variant Classification Sherloc (09022015). Collection method: clinical testing. Allele origin: germline.
Comment: In summary, the available evidence is currently insufficient to determine the role of this variant in disease. Therefore, it has been classified as a Variant of Uncertain Significance. Experimental studies and prediction algorithms are not available or were not evaluated, and the functional significance of this variant is currently unknown. This variant has not been reported in the literature in individuals affected with COL18A1-related conditions. This variant is not present in population databases (gnomAD no frequency). This sequence change replaces arginine, which is basic and polar, with glycine, which is neutral and non-polar, at codon 4 of the COL18A1 protein (p.Arg4Gly).

NM_001379500.1(COL18A1):c.10A>G (p.Arg4Gly)

Genes: BNAT1 (breast cancer associated ESR1 regulating natural antisense transcript 1; minus strand), COL18A1 (collagen type XVIII alpha 1 chain; plus strand). Cytogenetic location: 21q22.3.
Variant type: single nucleotide variant.
Coding change: c.10A>G on transcript NM_001379500.1 (MANE Select); coding-DNA position 10, A replaced by G.
Protein change: p.Arg4Gly; replaces arginine 4 with glycine.
Molecular consequence: missense variant.
Genome position (GRCh38, 1-based): chr21:45,405,240, A>G. VCF-style: chr21-45405240-A-G. GRCh37 (hg19) VCF-style: chr21-46825155-A-G.
Other names: NM_130445.3:c.10A>G; short protein forms R4G.
Identifiers: ClinVar variation 1357447 (VCV001357447.8), dbSNP rs1156421751, ClinGen allele CA410620225.